The following is an entry in ClinVar:

ClinVar aggregate classification (germline): Uncertain significance (1 of 4 stars; one submission).

Conditions:
Hereditary cancer-predisposing syndrome. Also called: Neoplastic Syndromes, Hereditary; Tumor predisposition; Hereditary neoplastic syndrome; Hereditary Cancer Syndrome. Identifiers: Orphanet 140162, MedGen C0027672, MeSH D009386, MONDO:0015356.

Submission:

Ambry Genetics
Classification: Uncertain significance for Hereditary cancer-predisposing syndrome. Last evaluated: 2023-02-24. Review status: criteria provided, single submitter. Criteria: Ambry Variant Classification Scheme 2023. Collection method: clinical testing. Allele origin: germline.
Comment: The c.816_821delGAAGAA variant (also known as p.K272_K273del) is located in coding exon 3 of the BLM gene. This variant results from an in-frame GAAGAA deletion at nucleotide positions 816 to 821. This results in the in-frame deletion of two lysine residues at codons 272 and 273. These amino acid positions are not well conserved in available vertebrate species. In addition, the in silico prediction for this alteration is inconclusive (Choi Y et al. PLoS ONE. 2012; 7(10):e46688). Since supporting evidence is limited at this time, the clinical significance of this alteration remains unclear.

NM_000057.4(BLM):c.813GAA[1] (p.Lys272_Lys273del)

Gene: BLM (BLM RecQ like helicase; plus strand). Cytogenetic location: 15q26.1.
Variant type: Microsatellite.
Coding change: c.813GAA[1] on transcript NM_000057.4 (MANE Select); one copy of the 3-base unit GAA starting at c.813; the reference has three copies in a row; two copies, 6 bases deleted.
Protein change: p.Lys272_Lys273del.
Molecular consequence: inframe deletion. On other transcripts: inframe indel (2), 5 prime UTR variant (1).
Genome position (GRCh38, 1-based): chr15:90,751,803-90,751,808, GAAGAA deleted; deleting any 6 consecutive bases within chr15:90,751,798-90,751,808 gives the same sequence; the position shown is the placement nearest the transcript's 3' end. VCF-style (leftmost placement, unchanged base first): chr15-90751797-AAAGAAG-A. GRCh37 (hg19) VCF-style: chr15-91295027-AAAGAAG-A.
Other names: c.816_821delGAAGAA (NM_000057.2); c.813_815GAA[1], p.Lys272_Lys273del (NM_000057.2); c.813GAA[1], p.Lys272_Lys273del (NM_001287246.2, NM_001287247.2); c.-479GAA[1] (NM_001287248.2).
Identifiers: ClinVar variation 2452561 (VCV002452561.2), dbSNP rs587779895, ClinGen allele CA7738372.